The following continues an entry in ClinVar:

NM_000535.7(PMS2):c.944G>A (p.Arg315Gln)

Gene: PMS2. ClinVar aggregate classification (germline): Conflicting classifications of pathogenicity. Uncertain significance (16); Benign (1); Likely benign (2).

Submissions 12 to 21 of 21:

Quest Diagnostics Nichols Institute San Juan Capistrano
Classification: Uncertain significance. Last evaluated: 2023-08-25. Review status: criteria provided, single submitter. Criteria: Quest Diagnostics criteria. Collection method: clinical testing. Allele origin: unknown.
Comment: In the published literature, this variant has been reported in individuals with breast cancer (PMIDs: 32547938 (2020), 33471991 (2021), see also LOVD), including one affected individual who co-carried a pathogenic CHEK2 variant (PMID: 25503501 (2015)). This variant has also been observed in an individual with a family history of ovarian cancer (PMID: 26845104 (2016)), and in several unaffected control individuals (PMIDs: 36243179 (2022), 33471991 (2021), 32980694 (2020)). The frequency of this variant in the general population, 0.000035 (4/113696 chromosomes (Genome Aggregation Database)), is uninformative in the assessment of its pathogenicity. Analysis of this variant using bioinformatics tools for the prediction of the effect of amino acid changes on protein structure and function yielded conflicting predictions that this variant is benign or damaging. Based on the available information, we are unable to determine the clinical significance of this variant.

CHEO Genetics Diagnostic Laboratory, Children's Hospital of Eastern Ontario
Classification: Uncertain significance for Breast and/or ovarian cancer. Last evaluated: 2023-04-25. Review status: criteria provided, single submitter. Criteria: ACMG Guidelines, 2015. Collection method: clinical testing. Allele origin: germline.

PreventionGenetics, part of Exact Sciences
Classification: Uncertain significance for PMS2-related condition. Last evaluated: 2023-03-28. Review status: criteria provided, single submitter. Criteria: ACMG Guidelines, 2015. Collection method: clinical testing. Allele origin: germline.
Comment: The PMS2 c.944G>A variant is predicted to result in the amino acid substitution p.Arg315Gln. This variant has been reported in an individual with early-onset breast cancer who also had a deleterious variant in CHEK2 (Table 2, Maxwell et al., 2015. PubMed ID: 25503501), an individual with a history of ovarian cancer (Table S1, Shirts et al., 2016. PubMed ID: 26845104), and an individual with breast cancer (Table S2, Nikitin et al. 2020. PubMed ID: 32547938). It has also been reported in a control from a pancreatic cancer cohort study (Table S6, Mizukami et al. 2020. PubMed ID: 32980694). This variant is reported in 0.0062% of alleles in individuals of African descent in gnomAD and is interpreted as uncertain in ClinVar. At this time, the clinical significance of this variant is uncertain due to the absence of conclusive functional and genetic evidence.

Ambry Genetics
Classification: Likely benign for Hereditary cancer-predisposing syndrome. Last evaluated: 2023-01-25. Review status: criteria provided, single submitter. Criteria: Ambry Variant Classification Scheme 2023. Collection method: clinical testing. Allele origin: germline.

Fulgent Genetics
Classification: Uncertain significance for Lynch syndrome 4; Mismatch repair cancer syndrome 4. Last evaluated: 2022-04-26. Review status: criteria provided, single submitter. Criteria: ACMG Guidelines, 2015. Collection method: clinical testing. Allele origin: unknown.

Illumina Laboratory Services, Illumina
Classification: Uncertain significance for Lynch syndrome 4. Last evaluated: 2018-01-12. Review status: criteria provided, single submitter. Criteria: ICSL Variant Classification Criteria 13 December 2019. Collection method: clinical testing. Allele origin: germline.

CSER _CC_NCGL, University of Washington
Classification: Uncertain significance for Lynch syndrome. Last evaluated: 2016-10-01. Review status: criteria provided, single submitter. Criteria: Amendola et al. (Genome Res. 2015). Collection method: research. Allele origin: germline. Affected: yes. Study: CSER - NEXT Medicine variant annotation.
Comment: This interpretation considers GERP score and allele frequency data, in addition to published reports of the variant in the literature, available at the time of review.

University of Washington Department of Laboratory Medicine, University of Washington
Classification: Uncertain significance for Hereditary nonpolyposis colon cancer. Last evaluated: 2015-11-20. Review status: criteria provided, single submitter. Criteria: Shirts et al. (Genet Med 2016). Collection method: clinical testing. Allele origin: germline. Affected: no. Observed: 1 variant allele.

Counsyl
Classification: Uncertain significance for Lynch syndrome 4. Last evaluated: 2015-12-07. Review status: no assertion criteria provided. Collection method: clinical testing. Allele origin: unknown. Not counted in ClinVar's aggregate classification.

Department of Pathology and Laboratory Medicine, Sinai Health System
Classification: Uncertain significance. Review status: no assertion criteria provided. Collection method: clinical testing. Allele origin: unknown. Affected: yes. Observed: 1 variant allele. Study: The Canadian Open Genetics Repository (COGR). Not counted in ClinVar's aggregate classification.
Comment: The PMS2 p.Arg315Gln variant was identified in 2 of 3480 proband chromosomes (frequency: 0.001) from individuals or families with breast and ovarian cancer (Maxwell 2014, Shirts 2016). The variant was also identified in dbSNP (ID: rs116314131) as â€šÃ„ÃºWith Uncertain significance alleleâ€šÃ„Ã¹, and in ClinVar (classified as uncertain significance by Ambry Genetics, Invitae, GeneDx, Coulsyl and two clinical laboratories). The variant was not identified in COGR, Cosmic, MutDB, Zhejiang Colon Cancer Database, Mismatch Repair Genes Variant Database, or the Insight Hereditary Tumors Database. The variant was identified in control databases in 6 of 277006 chromosomes at a frequency of 0.00002 (Genome Aggregation Database Feb 27, 2017). It was observed in the following populations: African in 1 of 24006 chromosomes (freq: 0.00004), Other in 1 of 6460 chromosomes (freq: 0.0002), and European in 4 of 126670 chromosomes (freq: 0.00003); it was not observed in the Latino, Ashkenazi Jewish, East Asian, Finnish, and South Asian populations. The p.Arg315 residue is conserved in mammals and computational analyses (PolyPhen-2, SIFT, AlignGVGD, BLOSUM, MutationTaster) provide inconsistent predictions regarding the impact to the protein; this information is not very predictive of pathogenicity. The variant occurs outside of the splicing consensus sequence and in silico or computational prediction software programs (SpliceSiteFinder, MaxEntScan, NNSPLICE, GeneSplicer, HumanSpliceFinder) do not predict a difference in splicing. In summary, based on the above information, the clinical significance of this variant cannot be determined with certainty at this time. This variant is classified as a variant of uncertain significance.

Literature cited by the submitters: PubMed 25503501 (cited by 6 submitters); PubMed 26845104 (cited by 5 submitters); PubMed 32547938 (cited by Women's Health and Genetics/Laboratory Corporation of America, LabCorp and Quest Diagnostics Nichols Institute San Juan Capistrano); PubMed 37306523 (cited by Women's Health and Genetics/Laboratory Corporation of America, LabCorp); PubMed 27498913 (cited by All of Us Research Program, National Institutes of Health and Color Diagnostics, LLC DBA Color Health); PubMed 32980694 (cited by 3 submitters); PubMed 33471991 (cited by 3 submitters); PubMed 36243179 (cited by Quest Diagnostics Nichols Institute San Juan Capistrano).